The following is an entry in ClinVar:

ClinVar aggregate classification (germline): Conflicting classifications of pathogenicity. Review status: criteria provided, conflicting classifications (1 of 4 stars). 3 submissions from 3 submitters: Uncertain significance (2); Benign (1). Last evaluated 2024-08-05.

Conditions:
Cardiovascular phenotype. Identifiers: MedGen CN230736.

Allele frequency attached by ClinVar (database versions not stated): ESP Exome Variant Server 0.00008.

Submissions (3):

Labcorp Genetics (formerly Invitae), Labcorp
Classification: Uncertain significance. Last evaluated: 2024-08-05. Review status: criteria provided, single submitter. Criteria: Invitae Variant Classification Sherloc (09022015). Collection method: clinical testing. Allele origin: germline.
Comment: This sequence change replaces aspartic acid, which is acidic and polar, with histidine, which is basic and polar, at codon 900 of the EPHB4 protein (p.Asp900His). This variant is present in population databases (rs200795996, gnomAD 0.02%), and has an allele count higher than expected for a pathogenic variant. This variant has not been reported in the literature in individuals affected with EPHB4-related conditions. ClinVar contains an entry for this variant (Variation ID: 1794863). An algorithm developed to predict the effect of missense changes on protein structure and function (PolyPhen-2) suggests that this variant is likely to be disruptive. In summary, the available evidence is currently insufficient to determine the role of this variant in disease. Therefore, it has been classified as a Variant of Uncertain Significance.

GeneDx
Classification: Uncertain significance. Last evaluated: 2024-06-11. Review status: criteria provided, single submitter. Criteria: GeneDx Variant Classification Process June 2021. Collection method: clinical testing. Allele origin: germline. Affected: yes.
Comment: In silico analysis supports that this missense variant has a deleterious effect on protein structure/function; Has not been previously published as pathogenic or benign to our knowledge

Ambry Genetics
Classification: Benign for Cardiovascular phenotype. Last evaluated: 2022-06-08. Review status: criteria provided, single submitter. Criteria: Ambry Variant Classification Scheme 2023. Collection method: clinical testing. Allele origin: germline.

NM_004444.5(EPHB4):c.2698G>C (p.Asp900His)

Gene: EPHB4 (EPH receptor B4; minus strand). Cytogenetic location: 7q22.1.
Variant type: single nucleotide variant.
Coding change: c.2698G>C on transcript NM_004444.5 (MANE Select); coding-DNA position 2698, G replaced by C.
Protein change: p.Asp900His; replaces aspartic acid 900 with histidine.
Molecular consequence: missense variant.
Genome position (GRCh38, 1-based): chr7:100,805,302, C>G on the plus strand (G>C on the coding strand, the complement: EPHB4 is on the minus strand). VCF-style: chr7-100805302-C-G. GRCh37 (hg19) VCF-style: chr7-100402924-C-G.
Other names: short protein forms D900H.
Identifiers: ClinVar variation 1794863 (VCV001794863.8), dbSNP rs200795996, ClinGen allele CA4392548.